The following is an entry in ClinVar:

ClinVar aggregate classification (germline): Uncertain significance. Review status: criteria provided, multiple submitters, no conflicts (2 of 4 stars). 5 submissions from 5 submitters: Uncertain significance (5). Last evaluated 2026-09-14.

Conditions:
Classic or attenuated familial adenomatous polyposis. Identifiers: MedGen CN372698, MONDO:0021057.
APC-related disorder. Also called: APC-related condition.
Hereditary cancer-predisposing syndrome. Also called: Tumor predisposition; Hereditary neoplastic syndrome; Neoplastic Syndromes, Hereditary; Hereditary Cancer Syndrome. Identifiers: Orphanet 140162, MedGen C0027672, MeSH D009386, MONDO:0015356.
Familial adenomatous polyposis 1 (FAP1). Also called: POLYPOSIS, ADENOMATOUS INTESTINAL; FAMILIAL ADENOMATOUS POLYPOSIS 1, ATTENUATED. Identifiers: MedGen C2713442, MONDO:0021056, OMIM 175100. Disease mechanism: loss of function.

Allele frequency attached by ClinVar (database versions not stated): gnomAD exomes below 0.00001; ExAC 0.00001.
gnomAD v4.1: 1 of 1,611,766 alleles (0.000062%); highest among the groups gnomAD compares: Admixed American, 0.0017%; no homozygotes.

Submissions (5):

PreventionGenetics, part of Exact Sciences
Classification: Uncertain significance for APC-related condition. Last evaluated: 2026-09-14. Review status: criteria provided, single submitter. Criteria: ACMG Guidelines, 2015. Collection method: clinical testing. Allele origin: germline.
Comment: The APC c.853G>A variant is predicted to result in the amino acid substitution p.Asp285Asn. To our knowledge, this variant has not been reported in the literature. This variant is reported in 0.0029% of alleles in individuals of Latino descent in gnomAD. This variant is classified as uncertain in ClinVar (Variation ID: 470148). At this time, the clinical significance of this variant is uncertain due to the absence of conclusive functional and genetic evidence.

Labcorp Genetics (formerly Invitae), Labcorp
Classification: Uncertain significance for Familial adenomatous polyposis 1. Last evaluated: 2025-12-28. Review status: criteria provided, single submitter. Criteria: Invitae Variant Classification Sherloc (09022015). Collection method: clinical testing. Allele origin: germline.
Comment: This sequence change replaces aspartic acid, which is acidic and polar, with asparagine, which is neutral and polar, at codon 285 of the APC protein (p.Asp285Asn). This variant is present in population databases (rs773525821, gnomAD 0.003%). This variant has not been reported in the literature in individuals affected with APC-related conditions. ClinVar contains an entry for this variant (Variation ID: 470148). Invitae Evidence Modeling of protein sequence and biophysical properties (such as structural, functional, and spatial information, amino acid conservation, physicochemical variation, residue mobility, and thermodynamic stability) indicates that this missense variant is not expected to disrupt APC protein function with a negative predictive value of 95%. In summary, the available evidence is currently insufficient to determine the role of this variant in disease. Therefore, it has been classified as a Variant of Uncertain Significance.

Ambry Genetics
Classification: Uncertain significance for Hereditary cancer-predisposing syndrome. Last evaluated: 2024-08-04. Review status: criteria provided, single submitter. Criteria: Ambry Variant Classification Scheme 2023. Collection method: clinical testing. Allele origin: germline.
Comment: The p.D285N variant (also known as c.853G>A), located in coding exon 8 of the APC gene, results from a G to A substitution at nucleotide position 853. The aspartic acid at codon 285 is replaced by asparagine, an amino acid with highly similar properties. This amino acid position is well conserved in available vertebrate species. In addition, in silico predictors for this gene do not accurately predict pathogenicity. Since supporting evidence is limited at this time, the clinical significance of this alteration remains unclear.

Women's Health and Genetics/Laboratory Corporation of America, LabCorp
Classification: Uncertain significance. Last evaluated: 2024-03-26. Review status: criteria provided, single submitter. Criteria: LabCorp Variant Classification Summary - May 2015. Collection method: clinical testing. Allele origin: germline.
Comment: Variant summary: APC c.853G>A (p.Asp285Asn) results in a conservative amino acid change in the encoded protein sequence. Four of five in-silico tools predict a damaging effect of the variant on protein function. The variant allele was found at a frequency of 4e-06 in 251100 control chromosomes. The available data on variant occurrences in the general population are insufficient to allow any conclusion about variant significance. To our knowledge, no occurrence of c.853G>A in individuals affected with Familial Adenomatous Polyposis and no experimental evidence demonstrating its impact on protein function have been reported. ClinVar contains an entry for this variant (Variation ID: 470148). Based on the evidence outlined above, the variant was classified as uncertain significance.

All of Us Research Program, National Institutes of Health
Classification: Uncertain significance for Classic or attenuated familial adenomatous polyposis. Last evaluated: 2023-10-02. Review status: criteria provided, single submitter. Criteria: ACMG Guidelines, 2015. Collection method: clinical testing. Allele origin: germline. Inheritance: Autosomal dominant inheritance. Observed: 2 variant alleles, 2 heterozygotes.
Comment: This study involves interpretation of variants in research participants for the purpose of population health screening. Participant phenotype was not available at the time of variant classification. Additional details can be found in publication PMID: 35346344, PMCID: PMC8962531

NM_000038.6(APC):c.853G>A (p.Asp285Asn)

Gene: APC (APC regulator of Wnt signaling pathway; plus strand). Cytogenetic location: 5q22.2.
Variant type: single nucleotide variant.
Coding change: c.853G>A on transcript NM_000038.6 (MANE Select); coding-DNA position 853, G replaced by A.
Protein change: p.Asp285Asn; replaces aspartic acid 285 with asparagine.
Molecular consequence: missense variant.
Genome position (GRCh38, 1-based): chr5:112,815,513, G>A. VCF-style: chr5-112815513-G-A. GRCh37 (hg19) VCF-style: chr5-112151210-G-A.
Other names: c.853G>A, p.Asp285Asn (NM_001127510.3, NM_001354895.2, NM_001354896.2 and 1 more transcripts); c.799G>A, p.Asp267Asn (NM_001127511.3); c.883G>A, p.Asp295Asn (NM_001354897.2, NM_001354902.2); c.778G>A, p.Asp260Asn (NM_001354898.2, NM_001354904.2); c.769G>A, p.Asp257Asn (NM_001354899.2); c.676G>A, p.Asp226Asn (NM_001354900.2, NM_001354901.2, NM_001354905.2); c.4G>A, p.Asp2Asn (NM_001354906.2); short protein forms D267N, D285N, D257N, D295N, D226N, D260N, D2N.
Identifiers: ClinVar variation 470148 (VCV000470148.17), dbSNP rs773525821, ClinGen allele CA050972.
Genomic context (GRCh38, chr5:112,815,513, plus strand): 5'-TATAGTCTAAATTATACCATCTATAATGTGCTTAATTTTTAGGGTTCAACTACACGAATG[G>A]ACCATGAAACAGCCAGTGTTTTGAGTTCTAGTAGCACACACTCTGCACCTCGAAGGCTGA-3'
Protein context (NP_000029.2, residues 275-295): GNGQGSTTRM[Asp285Asn]HETASVLSSS